The following is an entry in ClinVar:

NM_001014447.3(CPZ):c.1236G>T (p.Lys412Asn)

Gene: CPZ (carboxypeptidase Z; plus strand). Cytogenetic location: 4p16.1.
Variant type: single nucleotide variant.
Coding change: c.1236G>T on transcript NM_001014447.3 (MANE Select); coding-DNA position 1236, G replaced by T.
Protein change: p.Lys412Asn; replaces lysine 412 with asparagine.
Molecular consequence: missense variant.
Genome position (GRCh38, 1-based): chr4:8,612,035, G>T. VCF-style: chr4-8612035-G-T. GRCh37 (hg19) VCF-style: chr4-8613762-G-T.
Other names: NC_000004.11:g.8613762G>T; c.825G>T, p.Lys275Asn (NM_001014448.3); c.1203G>T, p.Lys401Asn (NM_003652.4); short protein forms K275N, K401N, K412N.
Identifiers: ClinVar variation 3039096 (VCV003039096.3), dbSNP rs147588134, ClinGen allele CA2853673.

ClinVar aggregate classification (germline): Benign (0 of 4 stars; one submission).

Conditions:
CPZ-related disorder. Also called: CPZ-related condition.

Allele frequency attached by ClinVar (database versions not stated): ESP Exome Variant Server 0.00185; TOPMed 0.00185; gnomAD 0.00268; 1000 Genomes Project 30x 0.00828; 1000 Genomes Project 0.00938.

Submissions (10):

PreventionGenetics, part of Exact Sciences
Classification: Benign for CPZ-related condition. Last evaluated: 2019-12-16. Review status: no assertion criteria provided. Collection method: clinical testing. Allele origin: germline.
Comment: This variant is classified as benign based on ACMG/AMP sequence variant interpretation guidelines (Richards et al. 2015 PMID: 25741868, with internal and published modifications).

Dr. Peter K. Rogan Lab, Western University
No classification provided (evidence only). Condition: Familial cancer of breast. Review status: no classification provided. Collection method: in vitro. Allele origin: not applicable. Functional consequence: retained intron. Not counted in ClinVar's aggregate classification.

Dr. Peter K. Rogan Lab, Western University
No classification provided (evidence only). Condition: Colon adenocarcinoma. Review status: no classification provided. Collection method: in vitro. Allele origin: not applicable. Functional consequence: retained intron. Not counted in ClinVar's aggregate classification.

Dr. Peter K. Rogan Lab, Western University
No classification provided (evidence only). Condition: Colorectal cancer. Review status: no classification provided. Collection method: in vitro. Allele origin: not applicable. Functional consequence: retained intron. Not counted in ClinVar's aggregate classification.

Dr. Peter K. Rogan Lab, Western University
No classification provided (evidence only). Condition: Cervical cancer. Review status: no classification provided. Collection method: in vitro. Allele origin: not applicable. Functional consequence: retained intron. Not counted in ClinVar's aggregate classification.

Dr. Peter K. Rogan Lab, Western University
No classification provided (evidence only). Condition: Sarcoma. Review status: no classification provided. Collection method: in vitro. Allele origin: not applicable. Functional consequence: retained intron. Not counted in ClinVar's aggregate classification.

Dr. Peter K. Rogan Lab, Western University
No classification provided (evidence only). Condition: Cholangiocarcinoma. Review status: no classification provided. Collection method: in vitro. Allele origin: not applicable. Functional consequence: retained intron. Not counted in ClinVar's aggregate classification.

Dr. Peter K. Rogan Lab, Western University
No classification provided (evidence only). Condition: Ovarian serous cystadenocarcinoma. Review status: no classification provided. Collection method: in vitro. Allele origin: not applicable. Functional consequence: retained intron. Not counted in ClinVar's aggregate classification.

Dr. Peter K. Rogan Lab, Western University
No classification provided (evidence only). Condition: Ovarian serous cystadenocarcinoma. Review status: no classification provided. Collection method: in vitro. Allele origin: not applicable. Functional consequence: retained intron. Not counted in ClinVar's aggregate classification.

Dr. Peter K. Rogan Lab, Western University
No classification provided (evidence only). Condition: Gastric cancer. Review status: no classification provided. Collection method: in vitro. Allele origin: not applicable. Functional consequence: retained intron. Not counted in ClinVar's aggregate classification.